The following is an entry in ClinVar:

NM_006767.4(LZTR1):c.1888C>T (p.Arg630Trp)

Gene: LZTR1 (leucine zipper like post translational regulator 1; plus strand). Cytogenetic location: 22q11.21.
Variant type: single nucleotide variant.
Coding change: c.1888C>T on transcript NM_006767.4 (MANE Select); coding-DNA position 1888, C replaced by T.
Protein change: p.Arg630Trp; replaces arginine 630 with tryptophan.
Molecular consequence: missense variant.
Genome position (GRCh38, 1-based): chr22:20,994,972, C>T. VCF-style: chr22-20994972-C-T. GRCh37 (hg19) VCF-style: chr22-21349261-C-T.
Other names: short protein forms R630W.
Identifiers: ClinVar variation 1326438 (VCV001326438.18), dbSNP rs750813513, ClinGen allele CA10119097.

ClinVar aggregate classification (germline): Uncertain significance. Review status: criteria provided, multiple submitters, no conflicts (2 of 4 stars). 8 submissions from 8 submitters: Uncertain significance (8). Last evaluated 2026-06-15.

Conditions:
LZTR1-related schwannomatosis. Also called: Schwannomatosis 2; Schwannomatosis-2, susceptibility to. Identifiers: Orphanet 93921, MedGen C3810283, MONDO:0014299, OMIM 615670.
Noonan syndrome 2 (NS2). Identifiers: Orphanet 648, MedGen C1854469, MONDO:0011531, OMIM 605275.
Hereditary cancer-predisposing syndrome. Also called: Neoplastic Syndromes, Hereditary; Hereditary Cancer Syndrome; Tumor predisposition; Hereditary neoplastic syndrome. Identifiers: Orphanet 140162, MedGen C0027672, MeSH D009386, MONDO:0015356.
Cardiovascular phenotype. Identifiers: MedGen CN230736.
Noonan syndrome 10 (NS10). Identifiers: Orphanet 648, MedGen C4225280, MONDO:0014693, OMIM 616564.
LZTR1-related disorder. Also called: LZTR1-related disorders; LZTR1-related condition.

Allele frequency attached by ClinVar (database versions not stated): ExAC 0.00003; TOPMed 0.00003.
gnomAD v4.1: 26 of 1,613,104 alleles (0.0016%); highest among the groups gnomAD compares: East Asian, 0.0022%; no homozygotes.

Submissions (8):

PreventionGenetics, part of Exact Sciences
Classification: Uncertain significance for LZTR1-related condition. Last evaluated: 2026-06-15. Review status: criteria provided, single submitter. Criteria: ACMG Guidelines, 2015. Collection method: clinical testing. Allele origin: germline.
Comment: The LZTR1 c.1888C>T variant is predicted to result in the amino acid substitution p.Arg630Trp. This variant has been documented in an individual with conotruncal defects from a congenital heart disease cohort; however, this individual was also noted to have additional variants in other candidate genes (Dataset S4 in Sierant et al. 2025. PubMed ID: 40127276). This variant is reported in 0.0062% of alleles in individuals of African descent in gnomAD and is classified as uncertain by several laboratories in ClinVar (Variation ID: 1326438). Of note, a different variant impacting the same amino acid (p.Arg630Gln) has been reported in the compound heterozygous state in an individual with clinical features consistent with Noonan syndrome (Table S2 in Guo et al. 2024. PubMed ID: 37838930). At this time, the clinical significance of the c.1888C>T (p.Arg630Trp) variant is uncertain due to the absence of conclusive functional and genetic evidence.

Labcorp Genetics (formerly Invitae), Labcorp
Classification: Uncertain significance. Last evaluated: 2025-09-22. Review status: criteria provided, single submitter. Criteria: Invitae Variant Classification Sherloc (09022015). Collection method: clinical testing. Allele origin: germline.
Comment: This sequence change replaces arginine, which is basic and polar, with tryptophan, which is neutral and slightly polar, at codon 630 of the LZTR1 protein (p.Arg630Trp). This variant is present in population databases (rs750813513, gnomAD 0.003%). This variant has not been reported in the literature in individuals affected with LZTR1-related conditions. ClinVar contains an entry for this variant (Variation ID: 1326438). Invitae Evidence Modeling of protein sequence and biophysical properties (such as structural, functional, and spatial information, amino acid conservation, physicochemical variation, residue mobility, and thermodynamic stability) indicates that this missense variant is not expected to disrupt LZTR1 protein function with a negative predictive value of 80%. In summary, the available evidence is currently insufficient to determine the role of this variant in disease. Therefore, it has been classified as a Variant of Uncertain Significance.

Ambry Genetics
Classification: Uncertain significance for Cardiovascular phenotype; Hereditary cancer-predisposing syndrome. Last evaluated: 2025-01-30. Review status: criteria provided, single submitter. Criteria: Ambry Variant Classification Scheme 2023. Collection method: clinical testing. Allele origin: germline.
Comment: The p.R630W variant (also known as c.1888C>T), located in coding exon 16 of the LZTR1 gene, results from a C to T substitution at nucleotide position 1888. The arginine at codon 630 is replaced by tryptophan, an amino acid with dissimilar properties. This amino acid position is highly conserved in available vertebrate species. In addition, the in silico prediction for this alteration is inconclusive. Since supporting evidence is limited at this time, the clinical significance of this alteration remains unclear.

Victorian Clinical Genetics Services, Murdoch Childrens Research Institute
Classification: Uncertain significance for Noonan syndrome 2. Last evaluated: 2024-10-08. Review status: criteria provided, single submitter. Criteria: ACMG Guidelines, 2015. Collection method: clinical testing. Allele origin: germline. Inheritance: Autosomal recessive inheritance. Affected: yes.
Comment: Based on the classification scheme VCGS_Germline_v1.3.4, this variant is classified as VUS-3B. Following criteria are met: 0102 - Loss of function is a known mechanism of disease in this gene and is associated with autosomal recessive Noonan syndrome 2 (MIM#605275); dominant negative is the mechanism suspected for autosomal dominant Noonan syndrome 10 (MIM#616564) (ClinGen). (I) 0108 - This gene is associated with both recessive and dominant disease. (I) 0200 - Variant is predicted to result in a missense amino acid change from arginine to tryptophan. (I) 0251 - This variant is heterozygous. (I) 0304 - Variant is present in gnomAD (v2) <0.01 (4 heterozygote(s), 0 homozygotes). (SP) 0309 - An alternative amino acid change at the same position has been observed in gnomAD (highest allele count in v2: 3 heterozygotes, 0 homozygotes). (I) 0501 - Missense variant consistently predicted to be damaging by multiple in silico tools or highly conserved with a major amino acid change. (SP) 0604 - Variant is not located in an established domain, motif, hotspot or informative constraint region. (I) 0710 - Other missense variants comparable to the one identified in this case have inconclusive previous evidence for pathogenicity. p.(Arg630Gln) has been reported as a VUS by multiple clinical testing laboratories, and as likely pathogenic by a clinical testing laboratory (ClinVar). p.(Arg630Pro) has been reported as a VUS by a clinical testing laboratory (ClinVar). (I) 0809 - Previous evidence of pathogenicity for this variant is inconclusive. It has been reported as a VUS by multiple clinical testing laboratories (ClinVar). (I) 0905 - No published segregation evidence has been identified for this variant. (I) 1007 - No published functional evidence has been identified for this variant. (I) Legend: (SP) - Supporting pathogenic, (I) - Information, (SB) - Supporting benign

Blueprint Genetics
Classification: Uncertain significance. Last evaluated: 2024-07-05. Review status: criteria provided, single submitter. Criteria: ACMG Guidelines, 2015. Collection method: clinical testing. Allele origin: germline.

Fulgent Genetics
Classification: Uncertain significance for Noonan syndrome 2; LZTR1-related schwannomatosis; Noonan syndrome 10. Last evaluated: 2024-06-21. Review status: criteria provided, single submitter. Criteria: ACMG Guidelines, 2015. Collection method: clinical testing. Allele origin: germline.

Baylor Genetics
Classification: Uncertain significance for LZTR1-related schwannomatosis. Last evaluated: 2023-09-13. Review status: criteria provided, single submitter. Criteria: ACMG Guidelines, 2015. Collection method: clinical testing. Allele origin: unknown.

GeneDx
Classification: Uncertain significance. Last evaluated: 2023-06-09. Review status: criteria provided, single submitter. Criteria: GeneDx Variant Classification Process June 2021. Collection method: clinical testing. Allele origin: germline. Affected: yes.
Comment: Not observed at significant frequency in large population cohorts (gnomAD); In silico analysis supports that this missense variant has a deleterious effect on protein structure/function; Has not been previously published as pathogenic or benign to our knowledge